The following is an entry in ClinVar:

ClinVar aggregate classification (germline): Uncertain significance. Review status: criteria provided, multiple submitters, no conflicts (2 of 4 stars). 4 submissions from 4 submitters: Uncertain significance (4). Last evaluated 2025-04-23.

Allele frequency attached by ClinVar (database versions not stated): gnomAD exomes 0.00003; gnomAD 0.00001; TOPMed 0.00002; ExAC 0.00003.

Submissions (4):

GeneDx
Classification: Uncertain significance. Last evaluated: 2025-04-23. Review status: criteria provided, single submitter. Criteria: GeneDx Variant Classification Process June 2021. Collection method: clinical testing. Allele origin: germline. Affected: yes.
Comment: Not observed at significant frequency in large population cohorts (gnomAD); In silico analysis indicates that this missense variant does not alter protein structure/function; Has not been previously published as pathogenic or benign to our knowledge

Ambry Genetics
Classification: Uncertain significance. Last evaluated: 2024-03-12. Review status: criteria provided, single submitter. Criteria: Ambry Variant Classification Scheme 2023. Collection method: clinical testing. Allele origin: germline.

Labcorp Genetics (formerly Invitae), Labcorp
Classification: Uncertain significance. Last evaluated: 2024-02-26. Review status: criteria provided, single submitter. Criteria: Invitae Variant Classification Sherloc (09022015). Collection method: clinical testing. Allele origin: germline.
Comment: This sequence change replaces leucine, which is neutral and non-polar, with valine, which is neutral and non-polar, at codon 159 of the MARS2 protein (p.Leu159Val). This variant is present in population databases (rs764296486, gnomAD 0.01%). This variant has not been reported in the literature in individuals affected with MARS2-related conditions. ClinVar contains an entry for this variant (Variation ID: 2060542). Advanced modeling of protein sequence and biophysical properties (such as structural, functional, and spatial information, amino acid conservation, physicochemical variation, residue mobility, and thermodynamic stability) performed at Invitae indicates that this missense variant is not expected to disrupt MARS2 protein function with a negative predictive value of 80%. In summary, the available evidence is currently insufficient to determine the role of this variant in disease. Therefore, it has been classified as a Variant of Uncertain Significance.

Blueprint Genetics
Classification: Uncertain significance. Last evaluated: 2022-05-16. Review status: criteria provided, single submitter. Criteria: ACMG Guidelines, 2015. Collection method: clinical testing. Allele origin: germline.

NM_138395.4(MARS2):c.475C>G (p.Leu159Val)

Gene: MARS2 (methionyl-tRNA synthetase 2, mitochondrial; plus strand). Cytogenetic location: 2q33.1.
Variant type: single nucleotide variant.
Coding change: c.475C>G on transcript NM_138395.4 (MANE Select); coding-DNA position 475, C replaced by G.
Protein change: p.Leu159Val; replaces leucine 159 with valine.
Molecular consequence: missense variant.
Genome position (GRCh38, 1-based): chr2:197,705,880, C>G. VCF-style: chr2-197705880-C-G. GRCh37 (hg19) VCF-style: chr2-198570604-C-G.
Other names: c.475C>G (NM_138395.3); short protein forms L159V.
Identifiers: ClinVar variation 2060542 (VCV002060542.7), dbSNP rs764296486, ClinGen allele CA2044586.